The following is an entry in ClinVar:

ClinVar aggregate classification (germline): Uncertain significance (1 of 4 stars; one submission).

Conditions:
Long QT syndrome (LQTS). Identifiers: MedGen C0023976, MeSH D008133, MONDO:0002442. Disease mechanism: loss of function. Inheritance: Various modes of inheritance.

Submission:

Labcorp Genetics (formerly Invitae), Labcorp
Classification: Uncertain significance for Long QT syndrome. Last evaluated: 2022-02-03. Review status: criteria provided, single submitter. Criteria: Invitae Variant Classification Sherloc (09022015). Collection method: clinical testing. Allele origin: germline.
Comment: In summary, the available evidence is currently insufficient to determine the role of this variant in disease. Therefore, it has been classified as a Variant of Uncertain Significance. Algorithms developed to predict the effect of sequence changes on RNA splicing suggest that this variant may create or strengthen a splice site. Experimental studies have shown that this missense change affects KCNQ1 function (PMID: 24920132). Algorithms developed to predict the effect of missense changes on protein structure and function (SIFT, PolyPhen-2, Align-GVGD) all suggest that this variant is likely to be disruptive. ClinVar contains an entry for this variant (Variation ID: 663237). This missense change has been observed in individual(s) with clinical features of short QT syndrome (Invitae). This variant is not present in population databases (gnomAD no frequency). This sequence change replaces phenylalanine, which is neutral and non-polar, with cysteine, which is neutral and slightly polar, at codon 279 of the KCNQ1 protein (p.Phe279Cys).

Literature cited by the submitters: PubMed 24920132.

NM_000218.3(KCNQ1):c.836T>G (p.Phe279Cys)

Gene: KCNQ1 (potassium voltage-gated channel subfamily Q member 1; plus strand). Cytogenetic location: 11p15.5.
Variant type: single nucleotide variant.
Coding change: c.836T>G on transcript NM_000218.3 (MANE Select); coding-DNA position 836, T replaced by G.
Protein change: p.Phe279Cys; replaces phenylalanine 279 with cysteine.
Molecular consequence: missense variant.
Genome position (GRCh38, 1-based): chr11:2,572,901, T>G. VCF-style: chr11-2572901-T-G. GRCh37 (hg19) VCF-style: chr11-2594131-T-G.
Other names: c.836T>G, p.Phe279Cys (NM_001406836.1); c.566T>G, p.Phe189Cys (NM_001406837.1); c.455T>G, p.Phe152Cys (NM_181798.2); short protein forms F152C, F279C, F189C.
Identifiers: ClinVar variation 663237 (VCV000663237.8), dbSNP rs1589958473, ClinGen allele CA379131463.
Genomic context (GRCh38, chr11:2,572,901, plus strand): 5'-CCTAGGAGCTGATAACCACCCTGTACATCGGCTTCCTGGGCCTCATCTTCTCCTCGTACT[T>G]TGTGTACCTGGCTGAGAAGGACGCGGTGAACGAGTCAGGCCGCGTGGAGTTCGGCAGCTA-3'
Protein context (NP_000209.2, residues 269-289): GFLGLIFSSY[Phe279Cys]VYLAEKDAVN